The following is an entry in ClinVar:

NM_001378024.1(ARHGAP32):c.4484T>A (p.Val1495Asp)

Gene: ARHGAP32 (Rho GTPase activating protein 32; minus strand). Cytogenetic location: 11q24.3.
Variant type: single nucleotide variant.
Coding change: c.4484T>A on transcript NM_001378024.1 (MANE Select); coding-DNA position 4484, T replaced by A.
Protein change: p.Val1495Asp; replaces valine 1495 with aspartic acid.
Molecular consequence: missense variant.
Genome position (GRCh38, 1-based): chr11:128,970,729, A>T on the plus strand (T>A on the coding strand, the complement: ARHGAP32 is on the minus strand). VCF-style: chr11-128970729-A-T. GRCh37 (hg19) VCF-style: chr11-128840624-A-T.
Other names: c.4442T>A, p.Val1481Asp (NM_001142685.2); c.4322T>A, p.Val1441Asp (NM_001378025.1); c.3395T>A, p.Val1132Asp (NM_014715.4); short protein forms V1132D, V1441D, V1481D, V1495D.
Identifiers: ClinVar variation 2630291 (VCV002630291.1), dbSNP rs1325519953, ClinGen allele CA383257475.

ClinVar aggregate classification (germline): Uncertain significance (1 of 4 stars; one submission).

Conditions:
ARHGAP32-related disorder. Also called: ARHGAP32-related condition.

Submission:

PreventionGenetics, part of Exact Sciences
Classification: Uncertain significance for ARHGAP32-related condition. Last evaluated: 2023-03-13. Review status: criteria provided, single submitter. Criteria: ACMG Guidelines, 2015. Collection method: clinical testing. Allele origin: germline.
Comment: The ARHGAP32 c.4442T>A variant is predicted to result in the amino acid substitution p.Val1481Asp. To our knowledge, this variant has not been reported in the literature or in a large population database, indicating this variant is rare. At this time, the clinical significance of this variant is uncertain due to the absence of conclusive functional and genetic evidence.